The following is an entry in ClinVar:

ClinVar aggregate classification (germline): Benign/Likely benign. Review status: criteria provided, multiple submitters, no conflicts (2 of 4 stars). 8 submissions from 8 submitters: Benign (5); Likely benign (2). 1 of the submissions does not count toward it. Last evaluated 2026-09-01.

Conditions:
ARID1B-Related Disorder. Identifiers: MedGen CN381337.
Inborn genetic diseases. Identifiers: MedGen C0950123, MeSH D030342.
Coffin-Siris syndrome 1 (CSS1). Also called: Mental retardation, autosomal dominant 12; ARID1B-Related Coffin-Siris Syndrome. Identifiers: Orphanet 1465, MedGen C3281201, MONDO:0007617, OMIM 135900. Disease mechanism: gain of function.

Allele frequency attached by ClinVar (database versions not stated): 1000 Genomes Project 30x 0.00234; 1000 Genomes Project 0.00260; ESP Exome Variant Server 0.00292; gnomAD 0.00304 and 0.00309; ExAC 0.00331; gnomAD exomes 0.00331 and 0.00396; TOPMed 0.00338.
gnomAD v4.1: 6,301 of 1,613,828 alleles (0.39%); highest among the groups gnomAD compares: Middle Eastern, 1.8%; 31 homozygotes.

Submissions (8):

CeGaT Center for Human Genetics Tuebingen
Classification: Benign. Last evaluated: 2026-09-01. Review status: criteria provided, single submitter. Criteria: CeGaT Center For Human Genetics Tuebingen Variant Classification Criteria Version 2. Collection method: clinical testing. Allele origin: germline. Affected: yes. Observed: 70 variant alleles.
Comment: ARID1B: BP4, BP7, BS1, BS2

Labcorp Genetics (formerly Invitae), Labcorp
Classification: Benign. Last evaluated: 2026-02-03. Review status: criteria provided, single submitter. Criteria: Invitae Variant Classification Sherloc (09022015). Collection method: clinical testing. Allele origin: germline.

Blueprint Genetics
Classification: Likely benign. Last evaluated: 2024-11-26. Review status: criteria provided, single submitter. Criteria: ACMG Guidelines, 2015. Collection method: clinical testing. Allele origin: germline.

Genome-Nilou Lab
Classification: Benign for Coffin-Siris syndrome 1. Last evaluated: 2021-07-15. Review status: criteria provided, single submitter. Criteria: ACMG Guidelines, 2015. Collection method: clinical testing. Allele origin: germline. Affected: no.

GeneDx
Classification: Benign. Last evaluated: 2020-12-21. Review status: criteria provided, single submitter. Criteria: GeneDx Variant Classification Process June 2021. Collection method: clinical testing. Allele origin: germline. Affected: yes.
Comment: This variant is associated with the following publications: (PMID: 22405089)

Ambry Genetics
Classification: Benign for Inborn genetic diseases. Last evaluated: 2016-05-12. Review status: criteria provided, single submitter. Criteria: Ambry Variant Classification Scheme 2023. Collection method: clinical testing. Allele origin: germline.

Breakthrough Genomics
Classification: Likely benign. Review status: criteria provided, single submitter. Criteria: ACMG Guidelines, 2015. Collection method: not provided. Allele origin: germline. Inheritance: Autosomal dominant inheritance. Affected: yes.

PreventionGenetics, part of Exact Sciences
Classification: Benign for ARID1B-related condition. Last evaluated: 2021-12-29. Review status: no assertion criteria provided. Collection method: clinical testing. Allele origin: germline. Not counted in ClinVar's aggregate classification.
Comment: This variant is classified as benign based on ACMG/AMP sequence variant interpretation guidelines (Richards et al. 2015 PMID: 25741868, with internal and published modifications).

NM_001374828.1(ARID1B):c.4812T>G (p.Pro1604=)

Gene: ARID1B (AT-rich interaction domain 1B; plus strand). Cytogenetic location: 6q25.3.
Variant type: single nucleotide variant.
Coding change: c.4812T>G on transcript NM_001374828.1 (MANE Select); coding-DNA position 4812, T replaced by G.
Protein change: p.Pro1604=; no amino-acid change (proline 1604 retained).
Molecular consequence: synonymous variant.
Genome position (GRCh38, 1-based): chr6:157,201,037, T>G. VCF-style: chr6-157201037-T-G. GRCh37 (hg19) VCF-style: chr6-157522171-T-G.
Other names: c.4443T>G, p.Pro1481= (NM_020732.3); c.2313T>G, p.Pro771= (NM_001363725.2); c.4692T>G, p.Pro1564= (NM_001371656.1, NM_001374820.1); c.4653T>G, p.Pro1551= (NM_017519.3).
Identifiers: ClinVar variation 588593 (VCV000588593.53), dbSNP rs141783755, ClinGen allele CA4067714.